The following is an entry in ClinVar:

ClinVar aggregate classification (germline): Uncertain significance (1 of 4 stars; one submission).

Allele frequency attached by ClinVar (database versions not stated): TOPMed 0.00002; ExAC 0.00001; gnomAD exomes 0.00001.
gnomAD v4.1: 19 of 1,612,018 alleles (0.0012%); highest among the groups gnomAD compares: East Asian, 0.0022%; no homozygotes.

Submission:

Labcorp Genetics (formerly Invitae), Labcorp
Classification: Uncertain significance. Last evaluated: 2025-09-02. Review status: criteria provided, single submitter. Criteria: Invitae Variant Classification Sherloc (09022015). Collection method: clinical testing. Allele origin: germline.
Comment: This sequence change replaces proline, which is neutral and non-polar, with leucine, which is neutral and non-polar, at codon 861 of the DGKZ protein (p.Pro861Leu). This variant is present in population databases (rs771895100, gnomAD 0.004%). This variant has not been reported in the literature in individuals affected with DGKZ-related conditions. ClinVar contains an entry for this variant (Variation ID: 2799275). An algorithm developed to predict the effect of missense changes on protein structure and function (PolyPhen-2) suggests that this variant is likely to be tolerated. In summary, the available evidence is currently insufficient to determine the role of this variant in disease. Therefore, it has been classified as a Variant of Uncertain Significance.

NM_001199267.2(DGKZ):c.2015C>T (p.Pro672Leu)

Gene: DGKZ (diacylglycerol kinase zeta; plus strand). Cytogenetic location: 11p11.2.
Variant type: single nucleotide variant.
Coding change: c.2015C>T on transcript NM_001199267.2 (MANE Select); coding-DNA position 2015, C replaced by T.
Protein change: p.Pro672Leu; replaces proline 672 with leucine.
Molecular consequence: missense variant.
Genome position (GRCh38, 1-based): chr11:46,376,072, C>T. VCF-style: chr11-46376072-C-T. GRCh37 (hg19) VCF-style: chr11-46397622-C-T.
Other names: c.2582C>T, p.Pro861Leu (NM_001105540.2); c.2018C>T, p.Pro673Leu (NM_001199266.2, NM_003646.4); c.1949C>T, p.Pro650Leu (NM_001199268.2); c.2066C>T, p.Pro689Leu (NM_201532.3); c.2030C>T, p.Pro677Leu (NM_201533.3); short protein forms P689L, P673L, P677L, P861L, P650L, P672L.
Identifiers: ClinVar variation 2799275 (VCV002799275.3), dbSNP rs771895100, ClinGen allele CA5963035.